The following is an entry in ClinVar:

ClinVar aggregate classification (germline): Benign. Review status: criteria provided, multiple submitters, no conflicts (2 of 4 stars). 4 submissions from 4 submitters: Benign (4). Last evaluated 2026-01-26.

Conditions:
Cataract 18 (CATC2). Also called: CATARACT 18, AUTOSOMAL RECESSIVE. Identifiers: Orphanet 91492, Orphanet 98991, Orphanet 98992, Orphanet 98995, MedGen C1864908, MONDO:0012395, OMIM 610019.

Allele frequency attached by ClinVar (database versions not stated): gnomAD exomes 0.00523 and 0.00231; ExAC 0.00619; gnomAD 0.01728 and 0.01862; TOPMed 0.02023; ESP Exome Variant Server 0.02038; 1000 Genomes Project 0.02336; 1000 Genomes Project 30x 0.02389.
gnomAD v4.1: 6,195 of 1,613,998 alleles (0.38%); highest among the groups gnomAD compares: African/African-American, 6%; 156 homozygotes.

Submissions (4):

Labcorp Genetics (formerly Invitae), Labcorp
Classification: Benign for Cataract 18. Last evaluated: 2026-01-26. Review status: criteria provided, single submitter. Criteria: Invitae Variant Classification Sherloc (09022015). Collection method: clinical testing. Allele origin: germline.

GeneDx
Classification: Benign. Last evaluated: 2018-07-31. Review status: criteria provided, single submitter. Criteria: GeneDx Variant Classification Process June 2021. Collection method: clinical testing. Allele origin: germline. Affected: yes.

Illumina Laboratory Services, Illumina
Classification: Benign for Cataract 18. Last evaluated: 2018-01-13. Review status: criteria provided, single submitter. Criteria: ICSL Variant Classification Criteria 13 December 2019. Collection method: clinical testing. Allele origin: germline.
Comment: This variant was observed in the ICSL laboratory as part of a predisposition screen in an ostensibly healthy population. It had not been previously curated by ICSL or reported in the Human Gene Mutation Database (HGMD: prior to June 1st, 2018), and was therefore a candidate for classification through an automated scoring system. Utilizing variant allele frequency, disease prevalence and penetrance estimates, and inheritance mode, an automated score was calculated to assess if this variant is too frequent to cause the disease. Based on the score and internal cut-off values, a variant classified as benign is not then subjected to further curation. The score for this variant resulted in a classification of benign for this disease.

Breakthrough Genomics
Classification: Benign. Review status: criteria provided, single submitter. Criteria: ACMG Guidelines, 2015. Collection method: not provided. Allele origin: germline. Inheritance: Autosomal recessive inheritance. Affected: yes.

NM_024513.4(FYCO1):c.845G>A (p.Arg282His)

Gene: FYCO1 (FYVE and coiled-coil domain autophagy adaptor 1; minus strand). Cytogenetic location: 3p21.31.
Variant type: single nucleotide variant.
Coding change: c.845G>A on transcript NM_024513.4 (MANE Select); coding-DNA position 845, G replaced by A.
Protein change: p.Arg282His; replaces arginine 282 with histidine.
Molecular consequence: missense variant.
Genome position (GRCh38, 1-based): chr3:45,968,489, C>T on the plus strand (G>A on the coding strand, the complement: FYCO1 is on the minus strand). VCF-style: chr3-45968489-C-T. GRCh37 (hg19) VCF-style: chr3-46009981-C-T.
Other names: short protein forms R282H.
Identifiers: ClinVar variation 345534 (VCV000345534.15), dbSNP rs9875356, ClinGen allele CA2353361.